The following is an entry in ClinVar:

ClinVar aggregate classification (germline): Uncertain significance (1 of 4 stars; one submission).

Allele frequency attached by ClinVar (database versions not stated): gnomAD exomes 0.00001.
gnomAD v4.1: 19 of 1,585,980 alleles (0.0012%); highest among the groups gnomAD compares: East Asian, 0.0023%; no homozygotes.

Submission:

Ambry Genetics
Classification: Uncertain significance. Last evaluated: 2023-02-23. Review status: criteria provided, single submitter. Criteria: Ambry Variant Classification Scheme 2023. Collection method: clinical testing. Allele origin: germline.
Comment: The p.Y721C variant (also known as c.2162A>G), located in coding exon 20 of the PRKDC gene, results from an A to G substitution at nucleotide position 2162. The tyrosine at codon 721 is replaced by cysteine, an amino acid with highly dissimilar properties. This amino acid position is conserved. In addition, this alteration is predicted to be deleterious by in silico analysis. Since supporting evidence is limited at this time, the clinical significance of this alteration remains unclear.

NM_006904.7(PRKDC):c.2162A>G (p.Tyr721Cys)

Gene: PRKDC (protein kinase, DNA-activated, catalytic subunit; minus strand). Cytogenetic location: 8q11.21.
Variant type: single nucleotide variant.
Coding change: c.2162A>G on transcript NM_006904.7 (MANE Select); coding-DNA position 2162, A replaced by G.
Protein change: p.Tyr721Cys; replaces tyrosine 721 with cysteine.
Molecular consequence: missense variant.
Genome position (GRCh38, 1-based): chr8:47,927,868, T>C on the plus strand (A>G on the coding strand, the complement: PRKDC is on the minus strand). VCF-style: chr8-47927868-T-C. GRCh37 (hg19) VCF-style: chr8-48840428-T-C.
Other names: c.2162A>G, p.Tyr721Cys (NM_001081640.2); short protein forms Y721C.
Identifiers: ClinVar variation 2449889 (VCV002449889.2), dbSNP rs2090179144, ClinGen allele CA371162864.